The following is an entry in ClinVar:

ClinVar aggregate classification (germline): Likely pathogenic (1 of 4 stars; one submission).

Allele frequency attached by ClinVar (database versions not stated): gnomAD exomes below 0.00001.
gnomAD v4.1: 1 of 1,604,210 alleles (0.000062%); highest among the groups gnomAD compares: Non-Finnish European, 0.000085%; no homozygotes.

Submission:

CeGaT Center for Human Genetics Tuebingen
Classification: Likely pathogenic. Last evaluated: 2024-02-01. Review status: criteria provided, single submitter. Criteria: CeGaT Center For Human Genetics Tuebingen Variant Classification Criteria Version 2. Collection method: clinical testing. Allele origin: germline. Affected: yes. Observed: 2 variant alleles.
Comment: SIX6: PM3:Strong, PM2, PVS1:Moderate, PP4

NM_007374.3(SIX6):c.105G>A (p.Trp35Ter)

Genes: C14orf39 (chromosome 14 open reading frame 39; minus strand), SIX6 (SIX homeobox 6; plus strand). Cytogenetic location: 14q23.1.
Variant type: single nucleotide variant.
Coding change: c.105G>A on transcript NM_007374.3 (MANE Select); coding-DNA position 105, G replaced by A.
Protein change: p.Trp35Ter; replaces tryptophan 35 with a stop codon.
Molecular consequence: nonsense.
Genome position (GRCh38, 1-based): chr14:60,509,503, G>A. VCF-style: chr14-60509503-G-A. GRCh37 (hg19) VCF-style: chr14-60976221-G-A.
Other names: short protein forms W35*.
Identifiers: ClinVar variation 2582921 (VCV002582921.25), dbSNP rs2503605066, ClinGen allele CA390086211.